The following is an entry in ClinVar:

ClinVar aggregate classification (germline): Benign/Likely benign. Review status: criteria provided, multiple submitters, no conflicts (2 of 4 stars). 12 submissions from 11 submitters: Benign (4); Likely benign (5). 3 of the submissions do not count toward it. Last evaluated 2026-02-01.

Conditions:
Spinocerebellar ataxia, autosomal recessive, with axonal neuropathy 2 (SCAN2). Also called: Ataxia with Oculomotor Apraxia Type 2; ATAXIA-OCULOMOTOR APRAXIA 2; Ataxia-ocular apraxia-2; Ataxia with Oculomotor Apraxia. Identifiers: Orphanet 64753, MedGen C1853761, MONDO:0018996, OMIM 606002.
Amyotrophic lateral sclerosis type 4 (ALS4). Also called: AMYOTROPHIC LATERAL SCLEROSIS 4, JUVENILE; NEURONOPATHY, DISTAL HEREDITARY MOTOR, WITH PYRAMIDAL FEATURES. Identifiers: Orphanet 357043, MedGen C1865409, MONDO:0011223, OMIM 602433.
Hereditary spastic paraplegia. Also called: Familial spastic paraparesis. Identifiers: Orphanet 685, MedGen C0037773, MONDO:0019064. Disease mechanism: loss of function.

Submissions (12):

Labcorp Genetics (formerly Invitae), Labcorp
Classification: Likely benign for Amyotrophic lateral sclerosis type 4; Spinocerebellar ataxia, autosomal recessive, with axonal neuropathy 2. Last evaluated: 2026-02-01. Review status: criteria provided, single submitter. Criteria: Invitae Variant Classification Sherloc (09022015). Collection method: clinical testing. Allele origin: germline.

Blueprint Genetics
Classification: Likely benign. Last evaluated: 2024-11-21. Review status: criteria provided, single submitter. Criteria: ACMG Guidelines, 2015. Collection method: clinical testing. Allele origin: germline.

ARUP Laboratories, Molecular Genetics and Genomics, ARUP Laboratories
Classification: Likely benign. Last evaluated: 2023-11-22. Review status: criteria provided, single submitter. Criteria: ARUP Molecular Germline Variant Investigation Process 2024. Collection method: clinical testing. Allele origin: germline.

GeneDx
Classification: Likely benign. Last evaluated: 2023-02-24. Review status: criteria provided, single submitter. Criteria: GeneDx Variant Classification Process June 2021. Collection method: clinical testing. Allele origin: germline. Affected: yes.
Comment: See Variant Classification Assertion Criteria.

Genome-Nilou Lab
Classification: Benign for Spinocerebellar ataxia, autosomal recessive, with axonal neuropathy 2. Last evaluated: 2023-02-08. Review status: criteria provided, single submitter. Criteria: ACMG Guidelines, 2015. Collection method: clinical testing. Allele origin: germline.

Genome-Nilou Lab
Classification: Benign for Amyotrophic lateral sclerosis type 4. Last evaluated: 2023-02-08. Review status: criteria provided, single submitter. Criteria: ACMG Guidelines, 2015. Collection method: clinical testing. Allele origin: germline.

Genome Diagnostics Laboratory, The Hospital for Sick Children
Classification: Likely benign for Hereditary spastic paraplegia. Last evaluated: 2021-09-20. Review status: criteria provided, single submitter. Criteria: ACMG Guidelines, 2015. Collection method: clinical testing. Allele origin: germline. Affected: yes.

Athena Diagnostics
Classification: Benign. Last evaluated: 2018-11-30. Review status: criteria provided, single submitter. Criteria: Athena Diagnostics Criteria. Collection method: clinical testing. Allele origin: germline.

Mayo Clinic Laboratories, Mayo Clinic
Classification: Benign. Last evaluated: 2016-06-08. Review status: criteria provided, single submitter. Criteria: ACMG Guidelines, 2015. Collection method: clinical testing. Allele origin: germline. Observed: 6 variant alleles.

Clinical Genetics DNA and cytogenetics Diagnostics Lab, Erasmus MC, Erasmus Medical Center
Classification: Likely benign. Review status: no assertion criteria provided. Collection method: clinical testing. Allele origin: germline. Affected: yes. Study: VKGL Data-share Consensus. Not counted in ClinVar's aggregate classification.

Clinical Genetics, Academic Medical Center
Classification: Likely benign. Review status: no assertion criteria provided. Collection method: clinical testing. Allele origin: germline. Affected: yes. Study: VKGL Data-share Consensus. Not counted in ClinVar's aggregate classification.

Genome Diagnostics Laboratory, Amsterdam University Medical Center
Classification: Likely benign. Review status: no assertion criteria provided. Collection method: clinical testing. Allele origin: germline. Affected: yes. Study: VKGL Data-share Consensus. Not counted in ClinVar's aggregate classification.

NM_015046.7(SETX):c.7200-10dup

Genes: SETX (senataxin; minus strand), LOC126860782 (P300/CBP strongly-dependent group 1 enhancer GRCh37_chr9:135144739-135145938; plus strand). Cytogenetic location: 9q34.13.
Variant type: Duplication.
Coding change: c.7200-10dup on transcript NM_015046.7 (MANE Select); 10 bases into the intron before coding-DNA position 7200, one base duplicated (T; older notation c.7200-10dupT).
Molecular consequence: intron variant.
Genome position (GRCh38, 1-based): chr9:132,269,712, A duplicated on the plus strand (T on the coding strand, the reverse complement: SETX is on the minus strand); the first of 7 consecutive A bases (chr9:132,269,712-132,269,718); duplicating any one gives the same sequence. VCF-style (leftmost placement, unchanged base first): chr9-132269711-T-TA. GRCh37 (hg19) VCF-style: chr9-135145098-T-TA.
Other names: p.?; c.7200-10dup (NM_001351528.2, NM_001351527.2, NM_015046.5).
Identifiers: ClinVar variation 468523 (VCV000468523.25), dbSNP rs531485265, ClinGen allele CA5296464.